The following is an entry in ClinVar:

ClinVar aggregate classification (germline): Uncertain significance. Review status: criteria provided, multiple submitters, no conflicts (2 of 4 stars). 2 submissions from 2 submitters: Uncertain significance (2). Last evaluated 2024-12-10.

Conditions:
IFT172-related disorder. Also called: IFT172-related disorders; IFT172-related condition.
Short-rib thoracic dysplasia 10 with or without polydactyly (SRTD10). Identifiers: Orphanet 474, MedGen C3810175, MONDO:0014284, OMIM 615630.
Retinitis pigmentosa 71 (RP71). Identifiers: Orphanet 791, MedGen C4225342, MONDO:0014618, OMIM 616394.

Allele frequency attached by ClinVar (database versions not stated): gnomAD 0.00001.
gnomAD v4.1: 1 of 1,614,086 alleles (0.000062%); highest among the groups gnomAD compares: Non-Finnish European, 0.000085%; no homozygotes.

Submissions (2):

PreventionGenetics, part of Exact Sciences
Classification: Uncertain significance for IFT172-related condition. Last evaluated: 2024-12-10. Review status: criteria provided, single submitter. Criteria: ACMG Guidelines, 2015. Collection method: clinical testing. Allele origin: germline.
Comment: The IFT172 c.2691G>T variant is predicted to result in the amino acid substitution p.Lys897Asn. To our knowledge, this variant has not been reported in the literature or in a large population database (gnomAD), indicating this variant is rare. At this time, the clinical significance of this variant is uncertain due to the absence of conclusive functional and genetic evidence.

Labcorp Genetics (formerly Invitae), Labcorp
Classification: Uncertain significance for Retinitis pigmentosa 71; Short-rib thoracic dysplasia 10 with or without polydactyly. Last evaluated: 2024-02-17. Review status: criteria provided, single submitter. Criteria: Invitae Variant Classification Sherloc (09022015). Collection method: clinical testing. Allele origin: germline.
Comment: This sequence change replaces lysine, which is basic and polar, with asparagine, which is neutral and polar, at codon 897 of the IFT172 protein (p.Lys897Asn). This variant is not present in population databases (gnomAD no frequency). This variant has not been reported in the literature in individuals affected with IFT172-related conditions. ClinVar contains an entry for this variant (Variation ID: 1423916). Advanced modeling of protein sequence and biophysical properties (such as structural, functional, and spatial information, amino acid conservation, physicochemical variation, residue mobility, and thermodynamic stability) performed at Invitae indicates that this missense variant is not expected to disrupt IFT172 protein function with a negative predictive value of 80%. In summary, the available evidence is currently insufficient to determine the role of this variant in disease. Therefore, it has been classified as a Variant of Uncertain Significance.

NM_015662.3(IFT172):c.2691G>T (p.Lys897Asn)

Genes: IFT172 (intraflagellar transport 172; minus strand), LOC126806174 (CDK7 strongly-dependent group 2 enhancer GRCh37_chr2:27681686-27682885; plus strand). Cytogenetic location: 2p23.3.
Variant type: single nucleotide variant.
Coding change: c.2691G>T on transcript NM_015662.3 (MANE Select); coding-DNA position 2691, G replaced by T.
Protein change: p.Lys897Asn; replaces lysine 897 with asparagine.
Molecular consequence: missense variant.
Genome position (GRCh38, 1-based): chr2:27,459,474, C>A on the plus strand (G>T on the coding strand, the complement: IFT172 is on the minus strand). VCF-style: chr2-27459474-C-A. GRCh37 (hg19) VCF-style: chr2-27682341-C-A.
Other names: c.2691G>T (NM_015662.2); short protein forms K897N.
Identifiers: ClinVar variation 1423916 (VCV001423916.8), dbSNP rs1320948238, ClinGen allele CA346382345.